The following is an entry in ClinVar:

ClinVar aggregate classification (germline): Pathogenic (1 of 4 stars; one submission).

Submission:

Labcorp Genetics (formerly Invitae), Labcorp
Classification: Pathogenic. Last evaluated: 2020-03-10. Review status: criteria provided, single submitter. Criteria: Invitae Variant Classification Sherloc (09022015). Collection method: clinical testing. Allele origin: germline.
Comment: This sequence change affects a donor splice site in intron 14 of the COL4A5 gene. It is expected to disrupt RNA splicing and likely results in an absent or disrupted protein product. This variant is not present in population databases (ExAC no frequency). This variant has been observed in individual(s) with Alport syndrome (PMID: 8940267, 23371956). Algorithms developed to predict the effect of sequence changes on RNA splicing suggest that this variant may disrupt the consensus splice site, but this prediction has not been confirmed by published transcriptional studies. Donor and acceptor splice site variants typically lead to a loss of protein function (PMID: 16199547), and loss-of-function variants in COL4A5 are known to be pathogenic (PMID: 9195222, 10752524, 14514738, 24854265, 26809805). For these reasons, this variant has been classified as Pathogenic.

Literature cited by the submitters: PubMed 8940267; PubMed 23371956; PubMed 16199547; PubMed 9195222; PubMed 10752524; PubMed 14514738; PubMed 24854265; PubMed 26809805.

NM_033380.3(COL4A5):c.834+1G>C

Gene: COL4A5 (collagen type IV alpha 5 chain; plus strand). Cytogenetic location: Xq22.3.
Variant type: single nucleotide variant.
Coding change: c.834+1G>C on transcript NM_033380.3 (MANE Select); the canonical splice donor site of the intron after coding-DNA position 834, G replaced by C.
Molecular consequence: splice donor variant.
Genome position (GRCh38, 1-based): chrX:108,580,587, G>C. VCF-style: chrX-108580587-G-C. GRCh37 (hg19) VCF-style: chrX-107823817-G-C.
Other names: c.834+1G>C (NM_000495.5).
Identifiers: ClinVar variation 1072610 (VCV001072610.10), dbSNP rs104886446, ClinGen allele CA413925899.